The following is an entry in ClinVar:

NM_000505.4(F12):c.1561G>A (p.Glu521Lys)

Gene: F12 (coagulation factor XII; minus strand). Cytogenetic location: 5q35.3.
Variant type: single nucleotide variant.
Coding change: c.1561G>A on transcript NM_000505.4 (MANE Select); coding-DNA position 1561, G replaced by A.
Protein change: p.Glu521Lys; replaces glutamic acid 521 with lysine.
Molecular consequence: missense variant.
Genome position (GRCh38, 1-based): chr5:177,402,669, C>T on the plus strand (G>A on the coding strand, the complement: F12 is on the minus strand). VCF-style: chr5-177402669-C-T. GRCh37 (hg19) VCF-style: chr5-176829670-C-T.
Other names: short protein forms E521K.
Identifiers: ClinVar variation 3381899 (VCV003381899.3).

ClinVar aggregate classification (germline): Likely pathogenic (1 of 4 stars; one submission).

Conditions:
Factor XII deficiency disease. Also called: F12 DEFICIENCY; HAF DEFICIENCY; Congenital factor XII deficiency; Reduced factor XII activity. Identifiers: Orphanet 330, MedGen C0015526, MONDO:0009315, OMIM 234000, HP:0004841.

gnomAD v4.1: 10 of 1,612,474 alleles (0.00062%); highest among the groups gnomAD compares: East Asian, 0.02%; no homozygotes.

Submission:

Juno Genomics, Hangzhou Juno Genomics, Inc
Classification: Likely pathogenic for Factor XII deficiency disease. Review status: criteria provided, single submitter. Criteria: ACMG Guidelines, 2015. Collection method: clinical testing. Allele origin: germline.
Comment: Absent from controls (or at extremely low frequency if recessive) in Genome Aggregation Database.;For recessive disorders, detected in trans with a pathogenic variant.;Well-established in vitro or in vivo functional studies supportive of a damaging effect on the gene or gene product.